The following is an entry in ClinVar:

ClinVar aggregate classification (germline): Uncertain significance (3 of 4 stars; one submission).

Conditions:
Open-angle glaucoma. Identifiers: MedGen C0017612, MONDO:0005338, HP:0012108.

Allele frequency attached by ClinVar (database versions not stated): 1000 Genomes Project 0.00020; ExAC 0.00004; 1000 Genomes Project 30x 0.00031.
gnomAD v4.1: 17 of 1,614,118 alleles (0.0011%); highest among the groups gnomAD compares: East Asian, 0.022%; no homozygotes.

Submission:

ClinGen Glaucoma Variant Curation Expert Panel
Classification: Uncertain significance for Open-angle glaucoma. Last evaluated: 2025-12-03. Review status: reviewed by expert panel. Criteria: ClinGen Glaucoma ACMG Specifications V2.0.0 Approved. Collection method: curation. Allele origin: germline. Inheritance: Autosomal dominant inheritance.
Comment: The c.382C>T variant in MYOC is a missense variant predicted to cause substitution of Arginine by Tryptophan at amino acid 128 (p.Arg128Trp). The highest minor allele frequency of this variant was in the East Asian genetic ancestry group of gnomAD (v4.1.0) = 0.0002228 (10 alleles out of 44,882), which did not meet the PM2_Supporting allele frequency threshold (≤ 0.0001) or the BS1 allele frequency threshold (≥ 0.001). The REVEL score = 0.207, which is within the 0.184-0.290 range for BP4, suggesting that the variant does not impact MYOC function. There was no functional evidence predicting a damaging or benign impact of this variant on MYOC function. Although probands with primary open angle glaucoma had been reported carrying this variant, PM2_Supporting was not met, therefore PS4 did not apply. In summary, this variant met the criteria to receive a score of -1 and to be classified as a variant of uncertain significance (uncertain significance classification range -1 to 5, adapted from PMID: 32720330) for primary open angle glaucoma based on the ACMG/AMP criteria met, as specified by the ClinGen Glaucoma VCEP (v2.0.0, 5 Dec 2024): BP4.

NM_000261.2(MYOC):c.382C>T (p.Arg128Trp)

Gene: MYOC (myocilin; minus strand). Cytogenetic location: 1q24.3.
Variant type: single nucleotide variant.
Coding change: c.382C>T on transcript NM_000261.2 (MANE Select); coding-DNA position 382, C replaced by T.
Protein change: p.Arg128Trp; replaces arginine 128 with tryptophan.
Molecular consequence: missense variant.
Genome position (GRCh38, 1-based): chr1:171,652,230, G>A on the plus strand (C>T on the coding strand, the complement: MYOC is on the minus strand). VCF-style: chr1-171652230-G-A. GRCh37 (hg19) VCF-style: chr1-171621370-G-A.
Other names: NM_000261.2:c.382C>T; short protein forms R128W.
Identifiers: ClinVar variation 2442264 (VCV002442264.2), dbSNP rs200971340, ClinGen allele CA1244287.